The following is an entry in ClinVar:

NM_001083116.3(PRF1):c.50del (p.Leu17fs)

Gene: PRF1 (perforin 1; minus strand). Cytogenetic location: 10q22.1.
Variant type: Deletion.
Coding change: c.50del on transcript NM_001083116.3 (MANE Select); coding-DNA position 50, one base deleted (T; older notation c.50delT).
Protein change: p.Leu17fs; shifts the reading frame from leucine 17.
Molecular consequence: frameshift variant.
Genome position (GRCh38, 1-based): chr10:70,600,853, A deleted on the plus strand (T on the coding strand, the reverse complement: PRF1 is on the minus strand). VCF-style (leftmost placement, unchanged base first): chr10-70600852-CA-C. GRCh37 (hg19) VCF-style: chr10-72360608-CA-C.
Other names: p.Leu17Argfs*34; c.50del, p.Leu17fs (NM_005041.6); c.50del (NM_001083116.1); short protein forms L17fs.
Identifiers: ClinVar variation 468305 (VCV000468305.54), dbSNP rs147035858, ClinGen allele CA5539143.
Genomic context (GRCh38, chr10:70,600,852, plus strand): 5'-GAACTTGTGGCTGCGCTTGCACTCTGAGCGTGCGGCTGTGTGGCACGGGGCAGGGACGGG[CA>C]GGGGCAGCAGCAGGAGAAGGATGCCCAGGAGGAGCAGACGGGCTGCCATGGAGCTGCAGA-3'

ClinVar aggregate classification (germline): Pathogenic. Review status: criteria provided, multiple submitters, no conflicts (2 of 4 stars). 23 submissions from 23 submitters: Pathogenic (21). 2 of the submissions do not count toward it. Last evaluated 2026-08-05.

Conditions:
Autoinflammatory syndrome. Identifiers: Orphanet 93665, MedGen C3890737, MONDO:0019751.
Familial hemophagocytic lymphohistiocytosis 2 (FHL2). Also called: PRF1-Related Familial Hemophagocytic Lymphohistiocytosis (PRF1-fHLH). Identifiers: Orphanet 540, MedGen C1863727, MONDO:0011337, OMIM 603553.
Haemophagocytic syndrome with absent perforin expression.
Aplastic anemia. Identifiers: Orphanet 182040, Orphanet 88, MedGen C0002874, MONDO:0015909, OMIM 609135, HP:0001915.
PRF1-related disorder. Also called: PRF1-related condition.
Lymphoma, non-Hodgkin, familial. Identifiers: MedGen C4721532, MONDO:0011508, OMIM 605027.
Familial hemophagocytic lymphohistiocytosis (FHL). Also called: Hereditary hemophagocytic lymphohistiocytosis; Familial erythrophagocytic lymphohistiocytosis; Familial histiocytic reticulosis. Identifiers: Orphanet 158038, Orphanet 540, MedGen C0272199, MONDO:0015541.

Allele frequency attached by ClinVar (database versions not stated): gnomAD exomes 0.00009 and 0.00024; ExAC 0.00033; 1000 Genomes Project 0.00080; gnomAD 0.00090 and 0.00100; ESP Exome Variant Server 0.00105; TOPMed 0.00107; 1000 Genomes Project 30x 0.00109.

Submissions 1 to 15 of 23:

PreventionGenetics, part of Exact Sciences
Classification: Pathogenic for PRF1-related condition. Last evaluated: 2026-08-05. Review status: criteria provided, single submitter. Criteria: ACMG Guidelines, 2015. Collection method: clinical testing. Allele origin: germline.
Comment: The PRF1 c.50delT variant is predicted to result in a frameshift and premature protein termination (p.Leu17Argfs*34). This variant has been reported in the homozygous state or with a second PRF1 variant in many individuals with familial hemophagocytic lymphohistiocytosis (FHL; see, for example, Stepp et al. 1999. PubMed ID: 10583959; Lee et al. 2004. PubMed ID: 14757862; Gadoury-Levesque et al. 2020. PubMed ID: 32542393). This variant has been reported at a high frequency among FHL patients of African descent (Lee et al. 2006. PubMed ID: 16860143) and is reported in 0.34% of alleles in individuals of African descent in gnomAD. Frameshift variants in PRF1 are expected to be pathogenic. This variant is interpreted as pathogenic.

Genetics Laboratory, Great Ormond Street Hospital NHS Foundation Trust, North Thames Genomic Laboratory Hub
Classification: Pathogenic for Haemophagocytic syndrome with absent perforin expression. Last evaluated: 2026-07-26. Review status: criteria provided, single submitter. Criteria: ACGS Best Practice Guidelines for Variant Classification in Rare Disease 2024 v1.2. Collection method: clinical testing. Allele origin: germline. Affected: yes.
Comment: PVS1_strong, PM3_moderate, PP4_strong

Labcorp Genetics (formerly Invitae), Labcorp
Classification: Pathogenic for Familial hemophagocytic lymphohistiocytosis 2. Last evaluated: 2026-02-01. Review status: criteria provided, single submitter. Criteria: Invitae Variant Classification Sherloc (09022015). Collection method: clinical testing. Allele origin: germline.
Comment: This sequence change creates a premature translational stop signal (p.Leu17Argfs*34) in the PRF1 gene. It is expected to result in an absent or disrupted protein product. Loss-of-function variants in PRF1 are known to be pathogenic (PMID: 1156555, 16860143). This variant is present in population databases (rs147035858, gnomAD 0.3%). This premature translational stop signal has been observed in individual(s) with familial hemophagocytic lymphohistiocytosis (FHL) (PMID: 10583959, 14757862, 16860143, 17873118, 22437823, 23255033). It is commonly reported in individuals of African ancestry (PMID: 10583959, 14757862, 16860143, 17873118, 22437823, 23255033). ClinVar contains an entry for this variant (Variation ID: 468305). For these reasons, this variant has been classified as Pathogenic.

3billion
Classification: Pathogenic for Familial hemophagocytic lymphohistiocytosis 2. Last evaluated: 2025-11-27. Review status: criteria provided, single submitter. Criteria: ACMG Guidelines, 2015. Collection method: clinical testing. Allele origin: germline. Affected: yes.
Comment: The variant is observed at an extremely low frequency in the gnomAD v4.1.0 dataset (total allele frequency: 0.016%). Predicted Consequence/Location: Frameshift: predicted to result in a loss or disruption of normal protein function through nonsense-mediated decay (NMD) or protein truncation. Multiple pathogenic variants are reported downstream of the variant. The variant has been reported at least twice as pathogenic with clinical assertions and evidence for the classification (ClinVar ID: VCV000468305 /PMID: 10583959). Therefore, this variant is classified as Pathogenic according to the recommendation of ACMG/AMP guideline.

Dasa
Classification: Pathogenic. Last evaluated: 2025-10-29. Review status: criteria provided, single submitter. Criteria: DASA Assertion Criteria. Collection method: clinical testing. Allele origin: germline.
Comment: NM_001083116.3(PRF1):c.50del (p.Leu17Argfs*34) introduces a premature termination codon predicted to result in loss of normal protein function. Loss-of-function is an established mechanism of disease for this gene. This variant has been recurrently observed in affected individuals with related phenotype in a genotype context consistent with recessive disease (PMID: 17873118; PMID: 30658162; PMID: 23255033; PMID: 22437823; PMID: 32542393). The variant is present at low frequency in population datasets. Based on the available data, this variant is classified as pathogenic.

Otogenetics
Classification: Pathogenic for Familial hemophagocytic lymphohistiocytosis 2. Last evaluated: 2025-10-20. Review status: criteria provided, single submitter. Criteria: ACMG Guidelines, 2015. Collection method: clinical testing. Allele origin: germline.
Comment: PVS1: Frameshift indel introduces premature stop codon in gene with loss of function as mechanism of disease, predicted to undergo NMD; PM3_VeryStrong: Variant reported in homozygous state more than ten affected individuals and in trans with over ten other pathogenic variants in more than ten individuals affected with hemophagocytic lymphohistiocytosis (PMID: 16860143, 32542393)

CeGaT Center for Human Genetics Tuebingen
Classification: Pathogenic. Last evaluated: 2025-08-01. Review status: criteria provided, single submitter. Criteria: CeGaT Center For Human Genetics Tuebingen Variant Classification Criteria Version 2. Collection method: clinical testing. Allele origin: germline. Affected: yes. Observed: 4 variant alleles.
Comment: PRF1: PM3:Very Strong, PVS1, PM2, PP4

Mayo Clinic Laboratories, Mayo Clinic
Classification: Pathogenic. Last evaluated: 2025-07-28. Review status: criteria provided, single submitter. Criteria: ACMG Guidelines, 2015. Collection method: clinical testing. Allele origin: germline. Observed: 3 variant alleles.
Comment: PM2_supporting, PM3_strong, PS4, PVS1

Blueprint Genetics
Classification: Pathogenic for PRF1-related disorders. Last evaluated: 2024-11-11. Review status: criteria provided, single submitter. Criteria: ACMG Guidelines, 2015. Collection method: clinical testing. Allele origin: germline. Affected: yes. Observed: 5 variant alleles.

Fulgent Genetics
Classification: Pathogenic for Familial hemophagocytic lymphohistiocytosis 2; Lymphoma, non-Hodgkin, familial; Aplastic anemia. Last evaluated: 2024-05-07. Review status: criteria provided, single submitter. Criteria: ACMG Guidelines, 2015. Collection method: clinical testing. Allele origin: germline.

Baylor Genetics
Classification: Pathogenic for Aplastic anemia. Last evaluated: 2024-03-24. Review status: criteria provided, single submitter. Criteria: ACMG Guidelines, 2015. Collection method: clinical testing. Allele origin: unknown.

GeneDx
Classification: Pathogenic. Last evaluated: 2022-02-09. Review status: criteria provided, single submitter. Criteria: GeneDx Variant Classification Process June 2021. Collection method: clinical testing. Allele origin: germline. Affected: yes.
Comment: Frameshift variant predicted to result in protein truncation or nonsense mediated decay in a gene for which loss-of-function is a known mechanism of disease; This variant is associated with the following publications: (PMID: 16860143, 10583959, 29239076, 17873118, 23255033, 22437823, 24916509, 30487145, 31395954, 29625052, 32542393, 34083498, 33570715, 14757862, 31589614)

Genetic Services Laboratory, University of Chicago
Classification: Pathogenic. Last evaluated: 2022-01-25. Review status: criteria provided, single submitter. Criteria: ACMG Guidelines, 2015. Collection method: clinical testing. Allele origin: germline.

Revvity Omics, Revvity
Classification: Pathogenic. Last evaluated: 2021-10-04. Review status: criteria provided, single submitter. Criteria: ACMG Guidelines, 2015. Collection method: clinical testing. Allele origin: germline.

New York Genome Center
Classification: Pathogenic for Familial hemophagocytic lymphohistiocytosis 2. Last evaluated: 2021-10-01. Review status: criteria provided, single submitter. Criteria: NYGC Assertion Criteria 2020. Collection method: clinical testing. Allele origin: germline. Observed: 1 heterozygote. Study: CSER-NYCKidSeq.